The following is an entry in ClinVar:

ClinVar aggregate classification (germline): Uncertain significance (1 of 4 stars; one submission).

Allele frequency attached by ClinVar (database versions not stated): ExAC 0.00001; gnomAD 0.00001; gnomAD exomes 0.00002 and 0.00009; TOPMed 0.00004.
gnomAD v4.1: 137 of 1,613,844 alleles (0.0085%); highest among the groups gnomAD compares: Non-Finnish European, 0.011%; no homozygotes.

Submission:

Labcorp Genetics (formerly Invitae), Labcorp
Classification: Uncertain significance. Last evaluated: 2025-06-19. Review status: criteria provided, single submitter. Criteria: Invitae Variant Classification Sherloc (09022015). Collection method: clinical testing. Allele origin: germline.
Comment: This sequence change replaces arginine, which is basic and polar, with cysteine, which is neutral and slightly polar, at codon 985 of the CTR9 protein (p.Arg985Cys). This variant is present in population databases (rs768858907, gnomAD 0.003%). This variant has not been reported in the literature in individuals affected with CTR9-related conditions. ClinVar contains an entry for this variant (Variation ID: 960726). An algorithm developed to predict the effect of missense changes on protein structure and function (PolyPhen-2) suggests that this variant is likely to be disruptive. In summary, the available evidence is currently insufficient to determine the role of this variant in disease. Therefore, it has been classified as a Variant of Uncertain Significance.

NM_014633.5(CTR9):c.2953C>T (p.Arg985Cys)

Gene: CTR9 (CTR9 component of Paf1/RNA polymerase II complex; plus strand). Cytogenetic location: 11p15.4.
Variant type: single nucleotide variant.
Coding change: c.2953C>T on transcript NM_014633.5 (MANE Select); coding-DNA position 2953, C replaced by T.
Protein change: p.Arg985Cys; replaces arginine 985 with cysteine.
Molecular consequence: missense variant.
Genome position (GRCh38, 1-based): chr11:10,775,274, C>T. VCF-style: chr11-10775274-C-T. GRCh37 (hg19) VCF-style: chr11-10796821-C-T.
Other names: c.2881C>T, p.Arg961Cys (NM_001346279.2); short protein forms R961C, R985C.
Identifiers: ClinVar variation 960726 (VCV000960726.9), dbSNP rs768858907, ClinGen allele CA5885467.